The following is an entry in ClinVar:

NM_005744.5(ARIH1):c.299G>A (p.Arg100His)

Gene: ARIH1 (ariadne RBR E3 ubiquitin protein ligase 1; plus strand). Cytogenetic location: 15q24.1.
Variant type: single nucleotide variant.
Coding change: c.299G>A on transcript NM_005744.5 (MANE Select); coding-DNA position 299, G replaced by A.
Protein change: p.Arg100His; replaces arginine 100 with histidine.
Molecular consequence: missense variant.
Genome position (GRCh38, 1-based): chr15:72,474,938, G>A. VCF-style: chr15-72474938-G-A. GRCh37 (hg19) VCF-style: chr15-72767279-G-A.
Other names: short protein forms R100H.
Identifiers: ClinVar variation 1498574 (VCV001498574.6), dbSNP rs368784844, ClinGen allele CA7645461.
Genomic context (GRCh38, chr15:72,474,938, plus strand): 5'-GCGGCGGCGGCGGCGGCGGTGGTGGTGGCGGGCCGGGGCATGAGCAGGAGGAGGATTACC[G>A]CTACGAGGTGCTCACGGCCGAGCAGATTCTACAACACATGGTGGAATGTATCCGGGAGGT-3'
Protein context (NP_005735.2, residues 90-110): GPGHEQEEDY[Arg100His]YEVLTAEQIL

ClinVar aggregate classification (germline): Uncertain significance (1 of 4 stars; one submission).

Allele frequency attached by ClinVar (database versions not stated): gnomAD exomes 0.00001 and below 0.00001; ESP Exome Variant Server 0.00008; gnomAD 0.00010 and 0.00011; ExAC 0.00011; TOPMed 0.00011.
gnomAD v4.1: 21 of 1,546,764 alleles (0.0014%); highest among the groups gnomAD compares: African/African-American, 0.028%; no homozygotes.

Submission:

Labcorp Genetics (formerly Invitae), Labcorp
Classification: Uncertain significance. Last evaluated: 2021-09-15. Review status: criteria provided, single submitter. Criteria: Invitae Variant Classification Sherloc (09022015). Collection method: clinical testing. Allele origin: germline.
Comment: This sequence change replaces arginine with histidine at codon 100 of the ARIH1 protein (p.Arg100His). The arginine residue is weakly conserved and there is a small physicochemical difference between arginine and histidine. This variant is present in population databases (rs368784844, ExAC 0.09%). This variant has not been reported in the literature in individuals affected with ARIH1-related conditions. Algorithms developed to predict the effect of missense changes on protein structure and function (SIFT, PolyPhen-2, Align-GVGD) all suggest that this variant is likely to be tolerated. In summary, the available evidence is currently insufficient to determine the role of this variant in disease. Therefore, it has been classified as a Variant of Uncertain Significance.